The following is an entry in ClinVar:

ClinVar aggregate classification (germline): Uncertain significance. Review status: criteria provided, multiple submitters, no conflicts (2 of 4 stars). 3 submissions from 3 submitters: Uncertain significance (3). Last evaluated 2025-07-30.

Conditions:
Cardiovascular phenotype. Identifiers: MedGen CN230736.
Long QT syndrome (LQTS). Identifiers: MedGen C0023976, MeSH D008133, MONDO:0002442. Disease mechanism: loss of function. Inheritance: Various modes of inheritance.

Allele frequency attached by ClinVar (database versions not stated): gnomAD exomes below 0.00001.
gnomAD v4.1: 5 of 1,603,488 alleles (0.00031%); highest among the groups gnomAD compares: Non-Finnish European, 0.00043%; no homozygotes.

Submissions (3):

Ambry Genetics
Classification: Uncertain significance for Cardiovascular phenotype. Last evaluated: 2025-07-30. Review status: criteria provided, single submitter. Criteria: Ambry Variant Classification Scheme 2023. Collection method: clinical testing. Allele origin: germline.
Comment: The p.G2084E variant (also known as c.6251G>A), located in coding exon 47 of the CACNA1C gene, results from a G to A substitution at nucleotide position 6251. The glycine at codon 2084 is replaced by glutamic acid, an amino acid with similar properties. This variant has been detected in a Brugada syndrome cohort; however details were limited (Novelli V et al. Heart Rhythm, 2022 May;19:798-806). Functional studies by one group suggest this variant may impact channel function; however, additional evidence is needed to confirm this finding (Novelli V et al. Heart Rhythm, 2022 May;19:798-806). This amino acid position is highly conserved in available vertebrate species. In addition, the in silico prediction for this alteration is inconclusive. Based on the available evidence, the clinical significance of this variant remains unclear.

GeneDx
Classification: Uncertain significance. Last evaluated: 2025-05-23. Review status: criteria provided, single submitter. Criteria: GeneDx Variant Classification Process June 2021. Collection method: clinical testing. Allele origin: germline. Affected: yes.
Comment: Not observed at significant frequency in large population cohorts (gnomAD); In silico analysis supports that this missense variant has a deleterious effect on protein structure/function; This variant is associated with the following publications: (PMID: 34999275)

Labcorp Genetics (formerly Invitae), Labcorp
Classification: Uncertain significance for Long QT syndrome. Last evaluated: 2023-12-30. Review status: criteria provided, single submitter. Criteria: Invitae Variant Classification Sherloc (09022015). Collection method: clinical testing. Allele origin: germline.
Comment: This sequence change replaces glycine, which is neutral and non-polar, with glutamic acid, which is acidic and polar, at codon 2084 of the CACNA1C protein (p.Gly2084Glu). The frequency data for this variant in the population databases is considered unreliable, as metrics indicate poor data quality at this position in the gnomAD database. This variant has not been reported in the literature in individuals affected with CACNA1C-related conditions. ClinVar contains an entry for this variant (Variation ID: 1431755). Advanced modeling of protein sequence and biophysical properties (such as structural, functional, and spatial information, amino acid conservation, physicochemical variation, residue mobility, and thermodynamic stability) performed at Invitae indicates that this missense variant is not expected to disrupt CACNA1C protein function with a negative predictive value of 95%. Experimental studies have shown that this missense change affects CACNA1C function (PMID: 34999275). In summary, the available evidence is currently insufficient to determine the role of this variant in disease. Therefore, it has been classified as a Variant of Uncertain Significance.

Literature cited by the submitters: PubMed 34999275 (cited by Ambry Genetics and Labcorp Genetics (formerly Invitae), Labcorp).

NM_000719.7(CACNA1C):c.6251G>A (p.Gly2084Glu)

Genes: CACNA1C (calcium voltage-gated channel subunit alpha1 C; plus strand), CACNA1C-AS1 (CACNA1C antisense RNA 1; minus strand). Cytogenetic location: 12p13.33.
Variant type: single nucleotide variant.
Coding change: c.6251G>A on transcript NM_000719.7 (MANE Select); coding-DNA position 6251, G replaced by A.
Protein change: p.Gly2084Glu; replaces glycine 2084 with glutamic acid.
Molecular consequence: missense variant.
Genome position (GRCh38, 1-based): chr12:2,691,033, G>A. VCF-style: chr12-2691033-G-A. GRCh37 (hg19) VCF-style: chr12-2800199-G-A.
Other names: c.6395G>A, p.Gly2132Glu (NM_001129827.2); c.6374G>A, p.Gly2125Glu (NM_001129829.2); c.6356G>A, p.Gly2119Glu (NM_001129830.3, NM_001167624.3); c.6335G>A, p.Gly2112Glu (NM_001129831.2); c.6311G>A, p.Gly2104Glu (NM_001129832.2); c.6308G>A, p.Gly2103Glu (NM_001129833.2, NM_001129834.2, NM_001129835.2); c.6302G>A, p.Gly2101Glu (NM_001129836.2); c.6275G>A, p.Gly2092Glu (NM_001129837.2, NM_001129838.2); and 7 more; short protein forms G2073E, G2101E, G2104E, G2125E, G2132E, G2081E, G2084E, G2103E.
Identifiers: ClinVar variation 1431755 (VCV001431755.8), dbSNP rs1381771539, ClinGen allele CA383386658.